The following is an entry in ClinVar:

ClinVar aggregate classification (germline): Uncertain significance (1 of 4 stars; one submission).

Submission:

Labcorp Genetics (formerly Invitae), Labcorp
Classification: Uncertain significance. Last evaluated: 2023-12-07. Review status: criteria provided, single submitter. Criteria: Invitae Variant Classification Sherloc (09022015). Collection method: clinical testing. Allele origin: germline.
Comment: This sequence change replaces asparagine, which is neutral and polar, with lysine, which is basic and polar, at codon 731 of the CARMIL2 protein (p.Asn731Lys). This variant is not present in population databases (gnomAD no frequency). This variant has not been reported in the literature in individuals affected with CARMIL2-related conditions. ClinVar contains an entry for this variant (Variation ID: 1437679). Advanced modeling of protein sequence and biophysical properties (such as structural, functional, and spatial information, amino acid conservation, physicochemical variation, residue mobility, and thermodynamic stability) performed at Invitae indicates that this missense variant is not expected to disrupt CARMIL2 protein function with a negative predictive value of 80%. In summary, the available evidence is currently insufficient to determine the role of this variant in disease. Therefore, it has been classified as a Variant of Uncertain Significance.

NM_001013838.3(CARMIL2):c.2193T>A (p.Asn731Lys)

Gene: CARMIL2 (capping protein regulator and myosin 1 linker 2; plus strand). Cytogenetic location: 16q22.1.
Variant type: single nucleotide variant.
Coding change: c.2193T>A on transcript NM_001013838.3 (MANE Select); coding-DNA position 2193, T replaced by A.
Protein change: p.Asn731Lys; replaces asparagine 731 with lysine.
Molecular consequence: missense variant.
Genome position (GRCh38, 1-based): chr16:67,651,195, T>A. VCF-style: chr16-67651195-T-A. GRCh37 (hg19) VCF-style: chr16-67685098-T-A.
Other names: c.2085T>A, p.Asn695Lys (NM_001317026.3); short protein forms N731K, N695K.
Identifiers: ClinVar variation 1437679 (VCV001437679.6), dbSNP rs2142932045, ClinGen allele CA396340490.
Genomic context (GRCh38, chr16:67,651,195, plus strand): 5'-TCTGGGAGACTGGGAGGGGGCTAGGCTGAGACTGATCCCCATTTCGCCCCAGGAAGTGAA[T>A]GAATTGTGTCAGTCGGTGCAGGAGCATGTGGAGCTGCTGGGCTGTGGGGCTGGGCCCCAG-3'
Protein context (NP_001013860.1, residues 721-741): LVSDPSEQEV[Asn731Lys]ELCQSVQEHV